The following is an entry in ClinVar:

NM_003978.5(PSTPIP1):c.376G>T (p.Val126Phe)

Gene: PSTPIP1 (proline-serine-threonine phosphatase interacting protein 1; plus strand). Cytogenetic location: 15q24.3.
Variant type: single nucleotide variant.
Coding change: c.376G>T on transcript NM_003978.5 (MANE Select); coding-DNA position 376, G replaced by T.
Protein change: p.Val126Phe; replaces valine 126 with phenylalanine.
Molecular consequence: missense variant. On other transcripts: non-coding transcript variant (1).
Genome position (GRCh38, 1-based): chr15:77,027,873, G>T. VCF-style: chr15-77027873-G-T. GRCh37 (hg19) VCF-style: chr15-77320214-G-T.
Other names: c.376G>T, p.Val126Phe (NM_001321135.2); c.349G>T, p.Val117Phe (NM_001321136.2); c.571G>T, p.Val191Phe (NM_001321137.1); short protein forms V117F, V126F, V191F.
Identifiers: ClinVar variation 1001289 (VCV001001289.8), dbSNP rs1468002596, ClinGen allele CA393519605.

ClinVar aggregate classification (germline): Uncertain significance (1 of 4 stars; one submission).

Conditions:
Pyogenic arthritis-pyoderma gangrenosum-acne syndrome (PAPA). Also called: FAMILIAL RECURRENT ARTHRITIS; PAPA SYNDROME. Identifiers: Orphanet 69126, MedGen C1858361, MONDO:0011462, OMIM 604416.

gnomAD v4.1: 19 of 1,569,866 alleles (0.0012%); highest among the groups gnomAD compares: Non-Finnish European, 0.0016%; no homozygotes.

Submission:

Labcorp Genetics (formerly Invitae), Labcorp
Classification: Uncertain significance for Pyogenic arthritis-pyoderma gangrenosum-acne syndrome. Last evaluated: 2024-10-16. Review status: criteria provided, single submitter. Criteria: Invitae Variant Classification Sherloc (09022015). Collection method: clinical testing. Allele origin: germline.
Comment: This sequence change replaces valine, which is neutral and non-polar, with phenylalanine, which is neutral and non-polar, at codon 126 of the PSTPIP1 protein (p.Val126Phe). The frequency data for this variant in the population databases is considered unreliable, as metrics indicate poor data quality at this position in the gnomAD database. This variant has not been reported in the literature in individuals affected with PSTPIP1-related conditions. ClinVar contains an entry for this variant (Variation ID: 1001289). Invitae Evidence Modeling of protein sequence and biophysical properties (such as structural, functional, and spatial information, amino acid conservation, physicochemical variation, residue mobility, and thermodynamic stability) indicates that this missense variant is not expected to disrupt PSTPIP1 protein function with a negative predictive value of 80%. In summary, the available evidence is currently insufficient to determine the role of this variant in disease. Therefore, it has been classified as a Variant of Uncertain Significance.